The following is an entry in ClinVar:

ClinVar aggregate classification (germline): Uncertain significance (1 of 4 stars; one submission).

Conditions:
TECTA-related disorder. Also called: TECTA-related condition.

Submission:

PreventionGenetics, part of Exact Sciences
Classification: Uncertain significance for TECTA-related condition. Last evaluated: 2026-09-25. Review status: criteria provided, single submitter. Criteria: ACMG Guidelines, 2015. Collection method: clinical testing. Allele origin: germline.
Comment: The TECTA c.3698T>G variant is predicted to result in the amino acid substitution p.Met1233Arg. To our knowledge, this variant has not been reported in the literature or in a large population database (gnomAD), indicating this variant is rare. At this time, the clinical significance of this variant is uncertain due to the absence of conclusive functional and genetic evidence.

NM_005422.4(TECTA):c.3698T>G (p.Met1233Arg)

Genes: TBCEL-TECTA (TBCEL-TECTA readthrough; plus strand), TECTA (tectorin alpha; plus strand). Cytogenetic location: 11q23.3.
Variant type: single nucleotide variant.
Coding change: c.3698T>G on transcript NM_005422.4 (MANE Select); coding-DNA position 3698, T replaced by G.
Protein change: p.Met1233Arg; replaces methionine 1233 with arginine.
Molecular consequence: missense variant.
Genome position (GRCh38, 1-based): chr11:121,145,709, T>G. VCF-style: chr11-121145709-T-G. GRCh37 (hg19) VCF-style: chr11-121016418-T-G.
Other names: c.4655T>G, p.Met1552Arg (NM_001378761.1); short protein forms M1233R, M1552R.
Identifiers: ClinVar variation 4980452 (VCV004980452.1).